The following is an entry in ClinVar:

NM_001042492.3(NF1):c.5140A>G (p.Lys1714Glu)

Gene: NF1 (neurofibromin 1; plus strand). Cytogenetic location: 17q11.2.
Variant type: single nucleotide variant.
Coding change: c.5140A>G on transcript NM_001042492.3 (MANE Select); coding-DNA position 5140, A replaced by G.
Protein change: p.Lys1714Glu; replaces lysine 1714 with glutamic acid.
Molecular consequence: missense variant.
Genome position (GRCh38, 1-based): chr17:31,326,124, A>G. VCF-style: chr17-31326124-A-G. GRCh37 (hg19) VCF-style: chr17-29653142-A-G.
Other names: c.5077A>G, p.Lys1693Glu (NM_000267.4); short protein forms K1693E, K1714E.
Identifiers: ClinVar variation 660851 (VCV000660851.5), dbSNP rs1597830089, ClinGen allele CA399007785.

ClinVar aggregate classification (germline): Uncertain significance (1 of 4 stars; one submission).

Conditions:
Neurofibromatosis, type 1 (NF1). Also called: VON RECKLINGHAUSEN DISEASE; NEUROFIBROMATOSIS, TYPE I, SOMATIC; Peripheral type neurofibromatosis; Neurofibromatosis, type I. Identifiers: Orphanet 636, MedGen C0027831, MONDO:0018975, OMIM 162200. Disease mechanism: loss of function.

Submission:

Labcorp Genetics (formerly Invitae), Labcorp
Classification: Uncertain significance for Neurofibromatosis, type 1. Last evaluated: 2018-12-20. Review status: criteria provided, single submitter. Criteria: Invitae Variant Classification Sherloc (09022015). Collection method: clinical testing. Allele origin: germline.
Comment: In summary, the available evidence is currently insufficient to determine the role of this variant in disease. Therefore, it has been classified as a Variant of Uncertain Significance. Algorithms developed to predict the effect of missense changes on protein structure and function (SIFT, PolyPhen-2, Align-GVGD) all suggest that this variant is likely to be tolerated, but these predictions have not been confirmed by published functional studies and their clinical significance is uncertain. This variant has not been reported in the literature in individuals with NF1-related conditions. This variant is not present in population databases (ExAC no frequency). This sequence change replaces lysine with glutamic acid at codon 1693 of the NF1 protein (p.Lys1693Glu). The lysine residue is moderately conserved and there is a small physicochemical difference between lysine and glutamic acid.